The following is an entry in ClinVar:

NM_145290.4(ADGRA3):c.1574G>A (p.Arg525Gln)

Gene: ADGRA3 (adhesion G protein-coupled receptor A3; minus strand). Cytogenetic location: 4p15.2.
Variant type: single nucleotide variant.
Coding change: c.1574G>A on transcript NM_145290.4 (MANE Select); coding-DNA position 1574, G replaced by A.
Protein change: p.Arg525Gln; replaces arginine 525 with glutamine.
Molecular consequence: missense variant.
Genome position (GRCh38, 1-based): chr4:22,424,222, C>T on the plus strand (G>A on the coding strand, the complement: ADGRA3 is on the minus strand). VCF-style: chr4-22424222-C-T. GRCh37 (hg19) VCF-style: chr4-22425845-C-T.
Other names: c.1574G>A (NM_145290.2); short protein forms R525Q.
Identifiers: ClinVar variation 1059066 (VCV001059066.10), dbSNP rs754246566, ClinGen allele CA2873916.

ClinVar aggregate classification (germline): Uncertain significance. Review status: criteria provided, multiple submitters, no conflicts (2 of 4 stars). 2 submissions from 2 submitters: Uncertain significance (2). Last evaluated 2025-01-07.

Allele frequency attached by ClinVar (database versions not stated): TOPMed below 0.00001; gnomAD 0.00001; gnomAD exomes 0.00004 and 0.00008; ExAC 0.00013.
gnomAD v4.1: 63 of 1,612,202 alleles (0.0039%); highest among the groups gnomAD compares: South Asian, 0.0099%; no homozygotes.

Submissions (2):

Ambry Genetics
Classification: Uncertain significance. Last evaluated: 2025-01-07. Review status: criteria provided, single submitter. Criteria: Ambry Variant Classification Scheme 2023. Collection method: clinical testing. Allele origin: germline.

Labcorp Genetics (formerly Invitae), Labcorp
Classification: Uncertain significance. Last evaluated: 2020-04-21. Review status: criteria provided, single submitter. Criteria: Invitae Variant Classification Sherloc (09022015). Collection method: clinical testing. Allele origin: germline.
Comment: In summary, the available evidence is currently insufficient to determine the role of this variant in disease. Therefore, it has been classified as a Variant of Uncertain Significance. Algorithms developed to predict the effect of sequence changes on RNA splicing suggest that this variant may create or strengthen a splice site, but this prediction has not been confirmed by published transcriptional studies. Algorithms developed to predict the effect of missense changes on protein structure and function are either unavailable or do not agree on the potential impact of this missense change (SIFT: "Tolerated"; PolyPhen-2: "Possibly Damaging"; Align-GVGD: "Class C0"). This variant has not been reported in the literature in individuals with ADGRA3-related conditions. This variant is present in population databases (rs754246566, ExAC 0.02%). This sequence change replaces arginine with glutamine at codon 525 of the ADGRA3 protein (p.Arg525Gln). The arginine residue is moderately conserved and there is a small physicochemical difference between arginine and glutamine.